The following is an entry in ClinVar:

NM_000064.4(C3):c.1480-4C>A

Gene: C3 (complement C3; minus strand). Cytogenetic location: 19p13.3.
Variant type: single nucleotide variant.
Coding change: c.1480-4C>A on transcript NM_000064.4 (MANE Select); 4 bases into the intron before coding-DNA position 1480, C replaced by A.
Molecular consequence: intron variant.
Genome position (GRCh38, 1-based): chr19:6,710,849, G>T on the plus strand (C>A on the coding strand, the complement: C3 is on the minus strand). VCF-style: chr19-6710849-G-T. GRCh37 (hg19) VCF-style: chr19-6710860-G-T.
Identifiers: ClinVar variation 894349 (VCV000894349.12), dbSNP rs200965763, ClinGen allele CA9129425.

ClinVar aggregate classification (germline): Conflicting classifications of pathogenicity. Review status: criteria provided, conflicting classifications (1 of 4 stars). 5 submissions from 3 submitters: Uncertain significance (1); Benign (1); Likely benign (3). Last evaluated 2026-01-18.

Conditions:
Atypical hemolytic-uremic syndrome with C3 anomaly. Also called: AHUS, SUSCEPTIBILITY TO, 5. Identifiers: Orphanet 2134, MedGen C2752037, MONDO:0013043, OMIM 612925.
Age related macular degeneration 9. Identifiers: MedGen C1969651, MONDO:0012659, OMIM 611378.
Complement component 3 deficiency. Identifiers: Orphanet 280133, MedGen C3151071, MONDO:0013417, OMIM 613779.

Allele frequency attached by ClinVar (database versions not stated): gnomAD 0.00049 and 0.00050; gnomAD exomes 0.00053; TOPMed 0.00059; ESP Exome Variant Server 0.00062; ExAC 0.00066.

Submissions (5):

Labcorp Genetics (formerly Invitae), Labcorp
Classification: Likely benign. Last evaluated: 2026-01-18. Review status: criteria provided, single submitter. Criteria: Invitae Variant Classification Sherloc (09022015). Collection method: clinical testing. Allele origin: germline.

Blueprint Genetics
Classification: Likely benign. Last evaluated: 2024-11-25. Review status: criteria provided, single submitter. Criteria: ACMG Guidelines, 2015. Collection method: clinical testing. Allele origin: germline.

Illumina Laboratory Services, Illumina
Classification: Likely benign for Age related macular degeneration 9. Last evaluated: 2018-01-13. Review status: criteria provided, single submitter. Criteria: ICSL Variant Classification Criteria 13 December 2019. Collection method: clinical testing. Allele origin: germline.
Comment: This variant was observed in the ICSL laboratory as part of a predisposition screen in an ostensibly healthy population. It had not been previously curated by ICSL or reported in the Human Gene Mutation Database (HGMD: prior to June 1st, 2018), and was therefore a candidate for classification through an automated scoring system. Utilizing variant allele frequency, disease prevalence and penetrance estimates, and inheritance mode, an automated score was calculated to assess if this variant is too frequent to cause the disease. Based on the score and internal cut-off values, a variant classified as likely benign is not then subjected to further curation. The score for this variant resulted in a classification of likely benign for this disease.

Illumina Laboratory Services, Illumina
Classification: Benign for Atypical hemolytic-uremic syndrome with C3 anomaly. Last evaluated: 2018-01-13. Review status: criteria provided, single submitter. Criteria: ICSL Variant Classification Criteria 13 December 2019. Collection method: clinical testing. Allele origin: germline.
Comment: This variant was observed in the ICSL laboratory as part of a predisposition screen in an ostensibly healthy population. It had not been previously curated by ICSL or reported in the Human Gene Mutation Database (HGMD: prior to June 1st, 2018), and was therefore a candidate for classification through an automated scoring system. Utilizing variant allele frequency, disease prevalence and penetrance estimates, and inheritance mode, an automated score was calculated to assess if this variant is too frequent to cause the disease. Based on the score and internal cut-off values, a variant classified as benign is not then subjected to further curation. The score for this variant resulted in a classification of benign for this disease.

Illumina Laboratory Services, Illumina
Classification: Uncertain significance for Complement component 3 deficiency. Last evaluated: 2018-01-13. Review status: criteria provided, single submitter. Criteria: ICSL Variant Classification Criteria 13 December 2019. Collection method: clinical testing. Allele origin: germline.